The following is an entry in ClinVar:

NM_032581.4(HYCC1):c.191A>G (p.Tyr64Cys)

Gene: HYCC1 (hyccin PI4KA lipid kinase complex subunit 1; minus strand). Cytogenetic location: 7p15.3.
Variant type: single nucleotide variant.
Coding change: c.191A>G on transcript NM_032581.4 (MANE Select); coding-DNA position 191, A replaced by G.
Protein change: p.Tyr64Cys; replaces tyrosine 64 with cysteine.
Molecular consequence: missense variant.
Genome position (GRCh38, 1-based): chr7:22,978,411, T>C on the plus strand (A>G on the coding strand, the complement: HYCC1 is on the minus strand). VCF-style: chr7-22978411-T-C. GRCh37 (hg19) VCF-style: chr7-23018030-T-C.
Other names: p.Tyr64Cys; c.191A>G, p.Tyr64Cys (NM_001363466.2, NM_001363467.2); short protein forms Y64C.
Identifiers: ClinVar variation 701831 (VCV000701831.58), dbSNP rs146913158, ClinGen allele CA4186079.
Genomic context (GRCh38, chr7:22,978,411, plus strand): 5'-CAAATTAGTTCTGGGAGAAATTGCAGCGTAAATTGAAGCAACTGCTCCTCTCCACTGCGA[T>C]AGAATTCAAAGAGCTGGTGACAGACAGGTTCTAGCAACTAGAAGAAAGACAAAATGTTAA-3'
Protein context (NP_115970.2, residues 54-74): EPVCHQLFEF[Tyr64Cys]RSGEEQLLQF

ClinVar aggregate classification (germline): Conflicting classifications of pathogenicity. Review status: criteria provided, conflicting classifications (1 of 4 stars). 7 submissions from 7 submitters: Uncertain significance (1); Benign (2); Likely benign (2). 2 of the submissions do not count toward it. Last evaluated 2026-01-26.

Conditions:
HYCC1-related disorder. Also called: HYCC1-related condition.
Hypomyelination and Congenital Cataract (HLD5). Also called: hypomyelinating leukodystrophy 5. Identifiers: Orphanet 85163, MedGen C1864663, MONDO:0012514, OMIM 610532.

Allele frequency attached by ClinVar (database versions not stated): ExAC 0.00136; gnomAD 0.00105; TOPMed 0.00105; gnomAD exomes 0.00119; ESP Exome Variant Server 0.00123.
gnomAD v4.1: 2,582 of 1,613,852 alleles (0.16%); highest among the groups gnomAD compares: Non-Finnish European, 0.2%; 6 homozygotes.

Submissions (7):

Labcorp Genetics (formerly Invitae), Labcorp
Classification: Benign for Hypomyelination and Congenital Cataract. Last evaluated: 2026-01-26. Review status: criteria provided, single submitter. Criteria: Invitae Variant Classification Sherloc (09022015). Collection method: clinical testing. Allele origin: germline.

Mayo Clinic Laboratories, Mayo Clinic
Classification: Benign. Last evaluated: 2025-03-07. Review status: criteria provided, single submitter. Criteria: ACMG Guidelines, 2015. Collection method: clinical testing. Allele origin: germline. Observed: 8 variant alleles.
Comment: BS1, BS2

Blueprint Genetics
Classification: Likely benign. Last evaluated: 2024-11-26. Review status: criteria provided, single submitter. Criteria: ACMG Guidelines, 2015. Collection method: clinical testing. Allele origin: germline.

CeGaT Center for Human Genetics Tuebingen
Classification: Uncertain significance. Last evaluated: 2024-06-01. Review status: criteria provided, single submitter. Criteria: CeGaT Center For Human Genetics Tuebingen Variant Classification Criteria Version 2. Collection method: clinical testing. Allele origin: germline. Affected: yes. Observed: 3 variant alleles.
Comment: HYCC1: PP3

GeneDx
Classification: Likely benign. Last evaluated: 2020-12-10. Review status: criteria provided, single submitter. Criteria: GeneDx Variant Classification Process June 2021. Collection method: clinical testing. Allele origin: germline. Affected: yes.

PreventionGenetics, part of Exact Sciences
Classification: Likely benign for HYCC1-related condition. Last evaluated: 2023-02-16. Review status: no assertion criteria provided. Collection method: clinical testing. Allele origin: germline. Not counted in ClinVar's aggregate classification.
Comment: This variant is classified as likely benign based on ACMG/AMP sequence variant interpretation guidelines (Richards et al. 2015 PMID: 25741868, with internal and published modifications).

Department of Pathology and Laboratory Medicine, Sinai Health System
Classification: Benign. Review status: no assertion criteria provided. Collection method: clinical testing. Allele origin: unknown. Affected: yes. Study: The Canadian Open Genetics Repository (COGR). Not counted in ClinVar's aggregate classification.
Comment: The FAM126A p.Tyr64Cys variant was not identified in the literature nor was it identified in ClinVar or LOVD 3.0. The variant was identified in dbSNP (ID: rs146913158) and in control databases in 326 of 282290 chromosomes (2 homozygous) at a frequency of 0.001155 increasing the likelihood this could be a low frequency benign variant (Genome Aggregation Database March 6, 2019, v2.1.1). The variant was observed in the following populations: European (non-Finnish) in 282 of 128792 chromosomes (freq: 0.00219), South Asian in 17 of 30604 chromosomes (freq: 0.000556), African in 12 of 24966 chromosomes (freq: 0.000481), Other in 3 of 7208 chromosomes (freq: 0.000416), European (Finnish) in 10 of 25112 chromosomes (freq: 0.000398) and Latino in 2 of 35336 chromosomes (freq: 0.000057), but was not observed in the Ashkenazi Jewish or East Asian populations. The p.Tyr64 residue is conserved across mammals and other organisms, and four out of five computational analyses (PolyPhen-2, SIFT, AlignGVGD, BLOSUM, MutationTaster) suggest that the variant may impact the protein; however, this information is not predictive enough to assume pathogenicity. The variant occurs outside of the splicing consensus sequence and in silico or computational prediction software programs (SpliceSiteFinder, MaxEntScan, NNSPLICE, GeneSplicer) do not predict a difference in splicing. In summary, this variant meets our laboratory's criteria to be classified as benign.